The following is an entry in ClinVar:

ClinVar aggregate classification (germline): Conflicting classifications of pathogenicity. Review status: criteria provided, conflicting classifications (1 of 4 stars). 2 submissions from 2 submitters: Uncertain significance (1); Likely benign (1). Last evaluated 2024-09-05.

Conditions:
Inborn genetic diseases. Identifiers: MedGen C0950123, MeSH D030342.

Allele frequency attached by ClinVar (database versions not stated): gnomAD 0.00014.
gnomAD v4.1: 47 of 1,614,014 alleles (0.0029%); highest among the groups gnomAD compares: African/African-American, 0.056%; no homozygotes.

Submissions (2):

Women's Health and Genetics/Laboratory Corporation of America, LabCorp
Classification: Uncertain significance. Last evaluated: 2024-09-05. Review status: criteria provided, single submitter. Criteria: LabCorp Variant Classification Summary - May 2015. Collection method: clinical testing. Allele origin: germline.
Comment: Variant summary: GLI2 c.2246C>A (p.Pro749Gln) results in a non-conservative amino acid change in the encoded protein sequence. Four of five in-silico tools predict a damaging effect of the variant on protein function. The variant allele was found at a frequency of 5.2e-05 in 249830 control chromosomes (gnomAD). This frequency is not significantly higher than estimated for a pathogenic variant in GLI2 causing GLI2-Related Disorders, allowing no conclusion about variant significance. To our knowledge, no occurrence of c.2246C>A in individuals affected with GLI2-Related Disorders and no experimental evidence demonstrating its impact on protein function have been reported. ClinVar contains an entry for this variant (Variation ID: 2570006). Based on the evidence outlined above, the variant was classified as uncertain significance.

Ambry Genetics
Classification: Likely benign for Inborn genetic diseases. Last evaluated: 2023-05-05. Review status: criteria provided, single submitter. Criteria: Ambry Variant Classification Scheme 2023. Collection method: clinical testing. Allele origin: germline.

NM_001374353.1(GLI2):c.2195C>A (p.Pro732Gln)

Gene: GLI2 (GLI family zinc finger 2; plus strand). Cytogenetic location: 2q14.2.
Variant type: single nucleotide variant.
Coding change: c.2195C>A on transcript NM_001374353.1 (MANE Select); coding-DNA position 2195, C replaced by A.
Protein change: p.Pro732Gln; replaces proline 732 with glutamine.
Molecular consequence: missense variant.
Genome position (GRCh38, 1-based): chr2:120,986,567, C>A. VCF-style: chr2-120986567-C-A. GRCh37 (hg19) VCF-style: chr2-121744143-C-A.
Other names: c.2246C>A, p.Pro749Gln (NM_001371271.1, NM_005270.5); c.1820C>A, p.Pro607Gln (NM_001374354.1); short protein forms P607Q, P749Q, P732Q.
Identifiers: ClinVar variation 2570006 (VCV002570006.3), dbSNP rs772532094, ClinGen allele CA1852160.